The following is an entry in ClinVar:

NM_013447.4(ADGRE2):c.1810G>A (p.Gly604Ser)

Gene: ADGRE2 (adhesion G protein-coupled receptor E2; minus strand). Cytogenetic location: 19p13.12.
Variant type: single nucleotide variant.
Coding change: c.1810G>A on transcript NM_013447.4 (MANE Select); coding-DNA position 1810, G replaced by A.
Protein change: p.Gly604Ser; replaces glycine 604 with serine.
Molecular consequence: missense variant.
Genome position (GRCh38, 1-based): chr19:14,751,650, C>T on the plus strand (G>A on the coding strand, the complement: ADGRE2 is on the minus strand). VCF-style: chr19-14751650-C-T. GRCh37 (hg19) VCF-style: chr19-14862462-C-T.
Other names: c.1810G>A (NM_013447.2); c.1636G>A, p.Gly546Ser (NM_001271052.1); c.1663G>A, p.Gly555Ser (NM_152916.2); c.1531G>A, p.Gly511Ser (NM_152917.2); short protein forms G546S, G511S, G555S, G604S.
Identifiers: ClinVar variation 2048511 (VCV002048511.5), dbSNP rs143659792, ClinGen allele CA9257574.

ClinVar aggregate classification (germline): Uncertain significance. Review status: criteria provided, multiple submitters, no conflicts (2 of 4 stars). 2 submissions from 2 submitters: Uncertain significance (2). Last evaluated 2025-10-23.

Allele frequency attached by ClinVar (database versions not stated): gnomAD exomes 0.00003; ExAC 0.00006; gnomAD 0.00011; TOPMed 0.00014; 1000 Genomes Project 30x 0.00031; ESP Exome Variant Server 0.00031; 1000 Genomes Project 0.00040.
gnomAD v4.1: 57 of 1,613,918 alleles (0.0035%); highest among the groups gnomAD compares: African/African-American, 0.047%; no homozygotes.

Submissions (2):

Labcorp Genetics (formerly Invitae), Labcorp
Classification: Uncertain significance. Last evaluated: 2025-10-23. Review status: criteria provided, single submitter. Criteria: Invitae Variant Classification Sherloc (09022015). Collection method: clinical testing. Allele origin: germline.
Comment: This sequence change replaces glycine, which is neutral and non-polar, with serine, which is neutral and polar, at codon 604 of the ADGRE2 protein (p.Gly604Ser). This variant is present in population databases (rs143659792, gnomAD 0.04%). This variant has not been reported in the literature in individuals affected with ADGRE2-related conditions. ClinVar contains an entry for this variant (Variation ID: 2048511). An algorithm developed to predict the effect of missense changes on protein structure and function outputs the following: PolyPhen-2: "Possibly Damaging". The serine amino acid residue is found in multiple mammalian species, which suggests that this missense change does not adversely affect protein function. In summary, the available evidence is currently insufficient to determine the role of this variant in disease. Therefore, it has been classified as a Variant of Uncertain Significance.

Ambry Genetics
Classification: Uncertain significance. Last evaluated: 2024-04-06. Review status: criteria provided, single submitter. Criteria: Ambry Variant Classification Scheme 2023. Collection method: clinical testing. Allele origin: germline.